The following is an entry in ClinVar:

NM_000284.4(PDHA1):c.359C>T (p.Ala120Val)

Gene: PDHA1 (pyruvate dehydrogenase E1 subunit alpha 1; plus strand). Cytogenetic location: Xp22.12.
Variant type: single nucleotide variant.
Coding change: c.359C>T on transcript NM_000284.4 (MANE Select); coding-DNA position 359, C replaced by T.
Protein change: p.Ala120Val; replaces alanine 120 with valine.
Molecular consequence: missense variant.
Genome position (GRCh38, 1-based): chrX:19,351,348, C>T. VCF-style: chrX-19351348-C-T. GRCh37 (hg19) VCF-style: chrX-19369466-C-T.
Other names: c.473C>T, p.Ala158Val (NM_001173454.2); c.380C>T, p.Ala127Val (NM_001173455.2); c.359C>T, p.Ala120Val (NM_001173456.2); short protein forms A120V, A127V, A158V.
Identifiers: ClinVar variation 3370682 (VCV003370682.1).

ClinVar aggregate classification (germline): Uncertain significance (1 of 4 stars; one submission).

gnomAD v4.1: 1 of 1,209,396 alleles (0.000083%); highest among the groups gnomAD compares: Non-Finnish European, 0.00011%; no homozygotes.

Submission:

GeneDx
Classification: Uncertain significance. Last evaluated: 2024-03-07. Review status: criteria provided, single submitter. Criteria: GeneDx Variant Classification Process June 2021. Collection method: clinical testing. Allele origin: germline. Affected: yes.
Comment: Not observed at significant frequency in large population cohorts (gnomAD); In silico analysis supports that this missense variant does not alter protein structure/function; Has not been previously published as pathogenic or benign to our knowledge